The following is an entry in ClinVar:

NM_001042492.3(NF1):c.2745C>A (p.Thr915=)

Gene: NF1 (neurofibromin 1; plus strand). Cytogenetic location: 17q11.2.
Variant type: single nucleotide variant.
Coding change: c.2745C>A on transcript NM_001042492.3 (MANE Select); coding-DNA position 2745, C replaced by A.
Protein change: p.Thr915=; no amino-acid change (threonine 915 retained).
Molecular consequence: synonymous variant.
Genome position (GRCh38, 1-based): chr17:31,229,360, C>A. VCF-style: chr17-31229360-C-A. GRCh37 (hg19) VCF-style: chr17-29556378-C-A.
Other names: c.2745C>A, p.Thr915= (NM_000267.4).
Identifiers: ClinVar variation 748528 (VCV000748528.10), dbSNP rs759465116, ClinGen allele CA499228619.
Genomic context (GRCh38, chr17:31,229,360, plus strand): 5'-GGATCGGCTGTTGTCCTTAATGGTGTGTAACCATGAGAAAGTGGGACTTCAAATACGGAC[C>A]AATGTTAAGGATCTGGTGGGTCTAGAATTGAGTCCTGCTCTGTATCCAATGCTATTTAAC-3'
Protein context (NP_001035957.1, residues 905-925): NHEKVGLQIR[Thr915=]NVKDLVGLEL

ClinVar aggregate classification (germline): Conflicting classifications of pathogenicity. Review status: criteria provided, conflicting classifications (1 of 4 stars). 3 submissions from 3 submitters: Uncertain significance (1); Likely benign (2). Last evaluated 2024-11-20.

Conditions:
Neurofibromatosis, type 1 (NF1). Also called: NEUROFIBROMATOSIS, TYPE I, SOMATIC; Neurofibromatosis, type I; Peripheral type neurofibromatosis; VON RECKLINGHAUSEN DISEASE. Identifiers: Orphanet 636, MedGen C0027831, MONDO:0018975, OMIM 162200. Disease mechanism: loss of function.
Hereditary cancer-predisposing syndrome. Also called: Tumor predisposition; Hereditary Cancer Syndrome; Neoplastic Syndromes, Hereditary; Hereditary neoplastic syndrome. Identifiers: Orphanet 140162, MedGen C0027672, MeSH D009386, MONDO:0015356.
Cardiovascular phenotype. Identifiers: MedGen CN230736.

Allele frequency attached by ClinVar (database versions not stated): gnomAD exomes below 0.00001.
gnomAD v4.1: 1 of 1,613,850 alleles (0.000062%); highest among the groups gnomAD compares: Non-Finnish European, 0.000085%; no homozygotes.

Submissions (3):

Quest Diagnostics Nichols Institute San Juan Capistrano
Classification: Uncertain significance. Last evaluated: 2024-11-20. Review status: criteria provided, single submitter. Criteria: Quest Diagnostics criteria. Collection method: clinical testing. Allele origin: unknown.
Comment: The NF1 c.2745C>A (p.Thr915=) synonymous variant has not been reported in individuals with NF1-related conditions in the published literature. It also has not been reported in large, multi-ethnic general populations (Genome Aggregation Database). Analysis of this variant using software algorithms for the prediction of the effect of nucleotide changes on splicing yielded predictions that this variant does not affect NF1 mRNA splicing. Based on the available information, we are unable to determine the clinical significance of this variant.

Ambry Genetics
Classification: Likely benign for Cardiovascular phenotype; Hereditary cancer-predisposing syndrome. Last evaluated: 2019-05-19. Review status: criteria provided, single submitter. Criteria: Ambry Variant Classification Scheme 2023. Collection method: clinical testing. Allele origin: germline.

Labcorp Genetics (formerly Invitae), Labcorp
Classification: Likely benign for Neurofibromatosis, type 1. Last evaluated: 2018-02-17. Review status: criteria provided, single submitter. Criteria: Invitae Variant Classification Sherloc (09022015). Collection method: clinical testing. Allele origin: germline.